The following is an entry in ClinVar:

ClinVar aggregate classification (germline): Likely benign. Review status: criteria provided, multiple submitters, no conflicts (2 of 4 stars). 2 submissions from 2 submitters: Likely benign (2). Last evaluated 2024-10-03.

Conditions:
Familial cancer of breast. Also called: Hereditary breast cancer; BREAST CANCER, FAMILIAL; hereditary breast carcinoma. Identifiers: Orphanet 227535, MedGen C0346153, MONDO:0016419, OMIM 114480. Disease mechanism: loss of function.

Allele frequency attached by ClinVar (database versions not stated): gnomAD exomes below 0.00001.
gnomAD v4.1: 1 of 1,500,926 alleles (0.000067%); highest among the groups gnomAD compares: African/African-American, 0.0014%; no homozygotes.

Submissions (2):

Myriad Genetics, Inc.
Classification: Likely benign for Familial cancer of breast. Last evaluated: 2024-10-03. Review status: criteria provided, single submitter. Criteria: Myriad Autosomal Dominant, Autosomal Recessive and X-Linked Classification Criteria (2023). Collection method: clinical testing. Allele origin: unknown.
Comment: This variant is considered likely benign. This variant is intronic and is not expected to impact mRNA splicing.

Labcorp Genetics (formerly Invitae), Labcorp
Classification: Likely benign for Familial cancer of breast. Last evaluated: 2022-11-09. Review status: criteria provided, single submitter. Criteria: Invitae Variant Classification Sherloc (09022015). Collection method: clinical testing. Allele origin: germline.

NM_007194.4(CHEK2):c.847-16C>T

Gene: CHEK2 (checkpoint kinase 2; minus strand). Cytogenetic location: 22q12.1.
Variant type: single nucleotide variant.
Coding change: c.847-16C>T on transcript NM_007194.4 (MANE Select); 16 bases into the intron before coding-DNA position 847, C replaced by T.
Molecular consequence: intron variant.
Genome position (GRCh38, 1-based): chr22:28,703,582, G>A on the plus strand (C>T on the coding strand, the complement: CHEK2 is on the minus strand). VCF-style: chr22-28703582-G-A. GRCh37 (hg19) VCF-style: chr22-29099570-G-A.
Other names: c.184-16C>T (NM_001437942.1, NM_001257387.3); c.646-16C>T (NM_001349956.3); c.847-16C>T (NM_145862.3); c.940-16C>T (NM_001438295.1, NM_001438293.1); c.976-16C>T (NM_001438294.1, NM_001005735.3).
Identifiers: ClinVar variation 2018857 (VCV002018857.5), dbSNP rs1487273676, ClinGen allele CA638799664.
Genomic context (GRCh38, chr22:28,703,582, plus strand): 5'-ATAATCTTCTGCATCAAAAAAGTTTTTAATCTTGATGATGCAAGGCTAAGAAGAGGGGGA[G>A]AAAAAAGGGAAAGTAGTGAGAAACTCCCAAGAGGAAAACCACAAGAGCTTAGAACATCTG-3'